The following is an entry in ClinVar:

NM_006922.4(SCN3A):c.4525C>T (p.Pro1509Ser)

Gene: SCN3A (sodium voltage-gated channel alpha subunit 3; minus strand). Cytogenetic location: 2q24.3.
Variant type: single nucleotide variant.
Coding change: c.4525C>T on transcript NM_006922.4 (MANE Select); coding-DNA position 4525, C replaced by T.
Protein change: p.Pro1509Ser; replaces proline 1509 with serine.
Molecular consequence: missense variant.
Genome position (GRCh38, 1-based): chr2:165,094,385, G>A on the plus strand (C>T on the coding strand, the complement: SCN3A is on the minus strand). VCF-style: chr2-165094385-G-A. GRCh37 (hg19) VCF-style: chr2-165950895-G-A.
Other names: c.4378C>T, p.Pro1460Ser (NM_001081676.2, NM_001081677.2); short protein forms P1460S, P1509S.
Identifiers: ClinVar variation 1038678 (VCV001038678.8), dbSNP rs1685257662, ClinGen allele CA349020016.

ClinVar aggregate classification (germline): Uncertain significance (1 of 4 stars; one submission).

Allele frequency attached by ClinVar (database versions not stated): gnomAD exomes below 0.00001.
gnomAD v4.1: 4 of 1,611,850 alleles (0.00025%); highest among the groups gnomAD compares: Non-Finnish European, 0.00034%; no homozygotes.

Submission:

Labcorp Genetics (formerly Invitae), Labcorp
Classification: Uncertain significance. Last evaluated: 2020-04-01. Review status: criteria provided, single submitter. Criteria: Invitae Variant Classification Sherloc (09022015). Collection method: clinical testing. Allele origin: germline.
Comment: In summary, the available evidence is currently insufficient to determine the role of this variant in disease. Therefore, it has been classified as a Variant of Uncertain Significance. Algorithms developed to predict the effect of missense changes on protein structure and function are either unavailable or do not agree on the potential impact of this missense change (SIFT: "Deleterious"; PolyPhen-2: "Probably Damaging"; Align-GVGD: "Class C0"). This variant has not been reported in the literature in individuals with SCN3A-related conditions. This variant is not present in population databases (ExAC no frequency). This sequence change replaces proline with serine at codon 1509 of the SCN3A protein (p.Pro1509Ser). The proline residue is moderately conserved and there is a moderate physicochemical difference between proline and serine.